The following is an entry in ClinVar:

NM_001829.4(CLCN3):c.336_339del (p.Lys112fs)

Gene: CLCN3 (chloride voltage-gated channel 3; plus strand). Cytogenetic location: 4q33.
Variant type: Microsatellite.
Coding change: c.336_339del on transcript NM_001829.4 (MANE Select); coding-DNA positions 336 to 339, 4 bases deleted (AGAA; older notation c.336_339delAGAA).
Protein change: p.Lys112fs; shifts the reading frame from lysine 112.
Molecular consequence: frameshift variant.
Genome position (GRCh38, 1-based): chr4:169,687,675-169,687,678, AGAA deleted; deleting any 4 consecutive bases within chr4:169,687,669-169,687,678 gives the same sequence; the c. name uses the placement nearest the transcript's 3' end. VCF-style (leftmost placement, unchanged base first): chr4-169687668-AAAAG-A. GRCh37 (hg19) VCF-style: chr4-170608819-AAAAG-A.
Other names: c.336_339del, p.Lys112fs (NM_001243372.2, NM_173872.4); c.255_258del, p.Lys85fs (NM_001243374.2); short protein forms K112fs, K85fs.
Identifiers: ClinVar variation 1192292 (VCV001192292.2), dbSNP rs2150246636, ClinGen allele CA2578232662.

ClinVar aggregate classification (germline): Pathogenic. Review status: no assertion criteria provided (0 of 4 stars). 2 submissions from 2 submitters: Pathogenic (2). Last evaluated 2021-09-02.

Conditions:
Neurodevelopmental disorder with seizures and brain abnormalities. Identifiers: MedGen C5561979, MONDO:0859188, OMIM 619517.
Neurodevelopmental delay. Identifiers: MedGen C4022738, HP:0012758.

Submissions (2):

OMIM
Classification: Pathogenic for NEURODEVELOPMENTAL DISORDER WITH SEIZURES AND BRAIN ABNORMALITIES (1 family). Last evaluated: 2021-09-02. Review status: no assertion criteria provided. Collection method: literature only. Allele origin: germline.

Gene Discovery Core-Manton Center, Boston Children's Hospital
Classification: Pathogenic for Neurodevelopmental delay. Review status: no assertion criteria provided. Collection method: research. Allele origin: germline. Affected: yes. Observed: 2 variant alleles.
Comment: CLCN3_Individual 10.1 and CLCN3_Individual 10.2 are siblings; parents are affected

Literature cited by the submitters: PubMed 34186028 (cited by OMIM).